The following is an entry in ClinVar:

ClinVar aggregate classification (germline): Uncertain significance (1 of 4 stars; one submission).

Submission:

Labcorp Genetics (formerly Invitae), Labcorp
Classification: Uncertain significance. Last evaluated: 2023-08-14. Review status: criteria provided, single submitter. Criteria: Invitae Variant Classification Sherloc (09022015). Collection method: clinical testing. Allele origin: germline.
Comment: In summary, the available evidence is currently insufficient to determine the role of this variant in disease. Therefore, it has been classified as a Variant of Uncertain Significance. This sequence change replaces arginine, which is basic and polar, with lysine, which is basic and polar, at codon 1343 of the MYO7A protein (p.Arg1343Lys). This variant is not present in population databases (gnomAD no frequency). This variant has not been reported in the literature in individuals affected with MYO7A-related conditions. Advanced modeling of protein sequence and biophysical properties (such as structural, functional, and spatial information, amino acid conservation, physicochemical variation, residue mobility, and thermodynamic stability) performed at Invitae indicates that this missense variant is not expected to disrupt MYO7A protein function.

NM_000260.4(MYO7A):c.4028G>A (p.Arg1343Lys)

Gene: MYO7A (myosin VIIA; plus strand). Cytogenetic location: 11q13.5.
Variant type: single nucleotide variant.
Coding change: c.4028G>A on transcript NM_000260.4 (MANE Select); coding-DNA position 4028, G replaced by A.
Protein change: p.Arg1343Lys; replaces arginine 1343 with lysine.
Molecular consequence: missense variant.
Genome position (GRCh38, 1-based): chr11:77,192,154, G>A. VCF-style: chr11-77192154-G-A. GRCh37 (hg19) VCF-style: chr11-76903199-G-A.
Other names: c.4028G>A, p.Arg1343Lys (NM_001127180.2); c.3995G>A, p.Arg1332Lys (NM_001369365.1); short protein forms R1332K, R1343K.
Identifiers: ClinVar variation 2848223 (VCV002848223.3), dbSNP rs2497410859, ClinGen allele CA381948789.
Genomic context (GRCh38, chr11:77,192,154, plus strand): 5'-TCTCCCAGTGCGAGCAGTACGCCAAGGAGCAGGGCGCCCAGGAGCGCAACGCCCCCTGGA[G>A]GCTCTTCTTCCGCAAAGAGGTCTTCACGCCCTGGCACAGCCCCTCCGAGGACAACGTGGC-3'
Protein context (NP_000251.3, residues 1333-1353): QGAQERNAPW[Arg1343Lys]LFFRKEVFTP